The following is an entry in ClinVar:

NM_000059.4(BRCA2):c.9836T>A (p.Leu3279Ter)

Gene: BRCA2 (BRCA2 DNA repair associated; plus strand). Cytogenetic location: 13q13.1.
Variant type: single nucleotide variant.
Coding change: c.9836T>A on transcript NM_000059.4 (MANE Select); coding-DNA position 9836, T replaced by A.
Protein change: p.Leu3279Ter; replaces leucine 3279 with a stop codon.
Molecular consequence: nonsense.
Genome position (GRCh38, 1-based): chr13:32,398,349, T>A. VCF-style: chr13-32398349-T-A. GRCh37 (hg19) VCF-style: chr13-32972486-T-A.
Other names: 10064T>A-ter3279; short protein forms L3279*.
Identifiers: ClinVar variation 267174 (VCV000267174.10), dbSNP rs886040852, ClinGen allele CA10589575.
Genomic context (GRCh38, chr13:32,398,349, plus strand): 5'-TTGATGACCAAAAGAACTGCAAAAAGAGAAGAGCCTTGGATTTCTTGAGTAGACTGCCTT[T>A]ACCTCCACCTGTTAGTCCCATTTGTACATTTGTTTCTCCGGCTGCACAGAAGGCATTTCA-3'

ClinVar aggregate classification (germline): Pathogenic. Review status: reviewed by expert panel (3 of 4 stars). 3 submissions from 3 submitters: Pathogenic (1). 2 of the submissions do not count toward it. Last evaluated 2016-10-18.

Conditions:
Breast-ovarian cancer, familial, susceptibility to, 2 (BROVCA2). Also called: BRCA2 Hereditary Breast and Ovarian Cancer. Identifiers: Orphanet 145, MedGen C2675520, MONDO:0012933, OMIM 612555. Disease mechanism: loss of function.
Hereditary breast ovarian cancer syndrome. Also called: Hereditary breast and ovarian cancer syndrome (HBOC); Breast and ovarian cancer; Hereditary breast and ovarian cancer syndrome; Hereditary breast and ovarian cancer; BRCA1- and BRCA2-Associated Hereditary Breast and Ovarian Cancer; Hereditary breast and/or ovarian cancer syndrome. Identifiers: Orphanet 145, MedGen C0677776, MeSH D061325, MONDO:0003582. Disease mechanism: loss of function.
Breast-ovarian cancer, familial, susceptibility to, 1 (BROVCA1). Also called: BRCA1 Hereditary Breast and Ovarian Cancer; OVARIAN CANCER, SUSCEPTIBILITY TO. Identifiers: Orphanet 145, MedGen C2676676, MONDO:0011450, OMIM 604370. Disease mechanism: loss of function.

Submissions (3):

Evidence-based Network for the Interpretation of Germline Mutant Alleles (ENIGMA)
Classification: Pathogenic for Breast-ovarian cancer, familial, susceptibility to, 2. Last evaluated: 2016-10-18. Review status: reviewed by expert panel. Criteria: ENIGMA BRCA1/2 Classification Criteria (2015). Collection method: curation. Allele origin: germline.
Comment: Variant allele predicted to encode a truncated non-functional protein.

Labcorp Genetics (formerly Invitae), Labcorp
Classification: Pathogenic for Hereditary breast ovarian cancer syndrome. Last evaluated: 2025-08-17. Review status: criteria provided, single submitter. Criteria: Invitae Variant Classification Sherloc (09022015). Collection method: clinical testing. Allele origin: germline. Not counted in ClinVar's aggregate classification.
Comment: This sequence change creates a premature translational stop signal (p.Leu3279*) in the BRCA2 gene. While this is not anticipated to result in nonsense mediated decay, it is expected to disrupt the last 140 amino acid(s) of the BRCA2 protein. This variant is not present in population databases (gnomAD no frequency). This variant has not been reported in the literature in individuals affected with BRCA2-related conditions. ClinVar contains an entry for this variant (Variation ID: 267174). This variant disrupts a region of the BRCA2 protein in which other variant(s) (p.Tyr3308*) have been determined to be pathogenic (PMID: 18593900, 18607349). This suggests that this is a clinically significant region of the protein, and that variants that disrupt it are likely to be disease-causing. For these reasons, this variant has been classified as Pathogenic.

Department of Molecular Diagnostics, Institute of Oncology Ljubljana
Classification: Pathogenic for Breast-ovarian cancer, familial, susceptibility to, 1. Last evaluated: 2020-04-02. Review status: criteria provided, single submitter. Criteria: ACMG Guidelines, 2015. Collection method: clinical testing. Allele origin: germline. Affected: yes. Not counted in ClinVar's aggregate classification.

Literature cited by the submitters: PubMed 18593900 (cited by Labcorp Genetics (formerly Invitae), Labcorp); PubMed 18607349 (cited by Labcorp Genetics (formerly Invitae), Labcorp).